The following is an entry in ClinVar:

NM_015057.5(MYCBP2):c.5884G>A (p.Ala1962Thr)

Gene: MYCBP2 (MYC binding protein 2; minus strand). Cytogenetic location: 13q22.3.
Variant type: single nucleotide variant.
Coding change: c.5884G>A on transcript NM_015057.5 (MANE Select); coding-DNA position 5884, G replaced by A.
Protein change: p.Ala1962Thr; replaces alanine 1962 with threonine.
Molecular consequence: missense variant.
Genome position (GRCh38, 1-based): chr13:77,169,625, C>T on the plus strand (G>A on the coding strand, the complement: MYCBP2 is on the minus strand). VCF-style: chr13-77169625-C-T. GRCh37 (hg19) VCF-style: chr13-77743760-C-T.
Other names: short protein forms A1962T.
Identifiers: ClinVar variation 3901825 (VCV003901825.1).

ClinVar aggregate classification (germline): Uncertain significance (1 of 4 stars; one submission).

Submission:

GeneDx
Classification: Uncertain significance. Last evaluated: 2024-12-02. Review status: criteria provided, single submitter. Criteria: GeneDx Variant Classification Process June 2021. Collection method: clinical testing. Allele origin: germline. Affected: yes.
Comment: Not observed at significant frequency in large population cohorts (gnomAD); In silico analysis indicates that this missense variant does not alter protein structure/function; Has not been previously published as pathogenic or benign to our knowledge